The following is an entry in ClinVar:

NC_000011.9:g.(?_108170431)_(108170622_?)del

Gene: ATM (ATM serine/threonine kinase; plus strand). Cytogenetic location: 11q22.3.
Variant type: Deletion.
Identifiers: ClinVar variation 1451818 (VCV001451818.6).

ClinVar aggregate classification (germline): Pathogenic (1 of 4 stars; one submission).

Conditions:
Ataxia-telangiectasia syndrome (AT). Also called: Ataxia-telangiectasia; LOUIS-BAR SYNDROME; AT, COMPLEMENTATION GROUP C; Ataxia-telangiectasia, complementation group E; Ataxia telangiectasia (A-T); Cerebello-oculocutaneous telangiectasia. Identifiers: Orphanet 100, MedGen C0004135, MONDO:0008840, OMIM 208900.

Submission:

Labcorp Genetics (formerly Invitae), Labcorp
Classification: Pathogenic for Ataxia-telangiectasia syndrome. Last evaluated: 2022-06-03. Review status: criteria provided, single submitter. Criteria: Invitae Variant Classification Sherloc (09022015). Collection method: clinical testing. Allele origin: germline.
Comment: This variant is a gross deletion of the genomic region encompassing exon(s) 34 of the ATM gene. This deletion is out-of-frame, and is expected to create a premature termination codon and result in an absent or disrupted protein product. Loss-of-function variants in ATM are known to be pathogenic (PMID: 23807571, 25614872). This variant has not been reported in the literature in individuals affected with ATM-related conditions. For these reasons, this variant has been classified as Pathogenic.

Literature cited by the submitters: PubMed 23807571; PubMed 25614872.